The following is an entry in ClinVar:

ClinVar aggregate classification (germline): Likely pathogenic (1 of 4 stars; one submission).

Submission:

Quest Diagnostics Nichols Institute San Juan Capistrano
Classification: Likely pathogenic. Last evaluated: 2022-03-15. Review status: criteria provided, single submitter. Criteria: ACMG/ClinGen CNV Guidelines, 2019. Collection method: clinical testing. Allele origin: unknown.
Comment: The copy number gain of 22q11.23 involves several protein-coding genes, including SMARCB1 (OMIM 601607) and SPECC1L (OMIM 614140). This copy number gain lies within the recurrent 22q11.2 distal LCR F-H duplication region. Copy number gains within this region have been reported in patients with developmental delay (DD) and other neurocognitive features. This genomic gain is a recurrent 22q11.2 distal LCR F-H duplication region. This type of gain has been reported in patients with developmental delay and other neurocognitive features. In a review of 30 cases, Pinchesfsky et al. reported that common features for duplications in this region include developmental delay (93%), neuropsychiatric features (26%), and nonspecific facial dysmorphisms (74%; Pinchesfsky 2017). In 70% of cases, the distal 22q11.2 duplications were inherited and many, but not all, of the carrier parents were phenotypically normal. Of note, many of the affected individuals had a concomitant variant. There are also reports of patients with overlapping duplications who have achygyria, seizures,hypotonia, impaired growth, esophageal atresia, tracheoesophageal fistula, optic nerve coloboma/dysplasia in optic nerve, and cardiac defects (Coppinger 2009, Nguyen 2017, Puvabanditsin 2015, Tan 2011, Valencia-Pena 2020, Wincent 2010). While there are several copy number gains of this region in the general populations of the Database of Genomic Variants, due to the reduced penetrance associated with this region, a pathogenic role for this copy number variant (CNV) cannot be ruled out. Thus, the clinical significance of this copy number variant (CNV) is likely pathogenic. References: Coppinger et al., Hum Mol Genet. 2009 Apr 15;18(8):1377-83. PMID:19193630Nguyen et al., Clin Case Rep. 2017 Feb 11;5(3):351-356. PMID: 28265405Pinchefsky et al., Child Neurol Open. 2017 Nov 1;4:2329048X17737651.PMID: 29147671Puvabanditsin S, et al., Genet Couns. 2015;26(3):313-20. PMID:26625662Tan et al. Am J Med Genet A. 2011 Jul;155A(7):1623-33., PMID:21671380Valencia-Pena et al., BMC Ophthalmol. 2020 Aug 17;20(1):333. PMID:32807111Wincent et al., Mol Syndromol. 2010;1(5):246-254., PMID: 22140377

GRCh37/hg19 22q11.23(chr22:23650872-25002483)x3

Genes: CHCHD10 (coiled-coil-helix-coiled-coil-helix domain containing 10; minus strand), ADORA2A (adenosine A2a receptor; plus strand), BCR (BCR activator of RhoGEF and GTPase; plus strand), C22orf15 (chromosome 22 open reading frame 15; plus strand), CABIN1 (calcineurin binding protein 1; plus strand) and 23 more. Cytogenetic location: 22q11.23.
Variant type: copy number gain.
Change: copy number 3 (three copies instead of two) of chr22:23,650,872-25,002,483 (1.35 Mb, GRCh37 coordinates, 1-based), cytogenetic band 22q11.23.
Identifiers: ClinVar variation 1808567 (VCV001808567.1).